The following is an entry in ClinVar:

NM_016188.5(ACTL6B):c.177G>C (p.Glu59Asp)

Gene: ACTL6B (actin like 6B; minus strand). Cytogenetic location: 7q22.1.
Variant type: single nucleotide variant.
Coding change: c.177G>C on transcript NM_016188.5 (MANE Select); coding-DNA position 177, G replaced by C.
Protein change: p.Glu59Asp; replaces glutamic acid 59 with aspartic acid.
Molecular consequence: missense variant. On other transcripts: non-coding transcript variant (1).
Genome position (GRCh38, 1-based): chr7:100,655,512, C>G on the plus strand (G>C on the coding strand, the complement: ACTL6B is on the minus strand). VCF-style: chr7-100655512-C-G. GRCh37 (hg19) VCF-style: chr7-100253135-C-G.
Other names: short protein forms E59D.
Identifiers: ClinVar variation 4881280 (VCV004881280.2).

ClinVar aggregate classification (germline): Uncertain significance (1 of 4 stars; one submission).

Submission:

Dasa
Classification: Uncertain significance. Last evaluated: 2025-09-24. Review status: criteria provided, single submitter. Criteria: DASA Assertion Criteria. Collection method: clinical testing. Allele origin: germline.
Comment: NM_016188.5(ACTL6B):c.177G>C (p.Glu59Asp) is a missense variant that results in the substitution of glutamic acid with aspartic acid. This variant is rare in population databases. The currently available literature and clinical evidence are not sufficient to establish a definitive association between this variant and the reported condition. Therefore, this variant is classified as a variant of uncertain significance.